The following is an entry in ClinVar:

NM_000501.4(ELN):c.294C>T (p.Asp98=)

Gene: ELN (elastin; plus strand). Cytogenetic location: 7q11.23.
Variant type: single nucleotide variant.
Coding change: c.294C>T on transcript NM_000501.4 (MANE Select); coding-DNA position 294, C replaced by T.
Protein change: p.Asp98=; no amino-acid change (aspartic acid 98 retained).
Molecular consequence: synonymous variant.
Genome position (GRCh38, 1-based): chr7:74,042,675, C>T. VCF-style: chr7-74042675-C-T. GRCh37 (hg19) VCF-style: chr7-73457005-C-T.
Other names: c.294C>T (NM_000501.3); c.264C>T, p.Asp88= (NM_001081752.3, NM_001278914.2, NM_001278917.2 and 1 more transcripts); c.294C>T, p.Asp98= (NM_001081753.3, NM_001081754.3, NM_001081755.3 and 4 more transcripts); c.258C>T, p.Asp86= (NM_001278913.2).
Identifiers: ClinVar variation 2054671 (VCV002054671.6), dbSNP rs375549202, ClinGen allele CA4292418.

ClinVar aggregate classification (germline): Likely benign. Review status: criteria provided, single submitter (1 of 4 stars). 2 submissions from 2 submitters: Likely benign (1). 1 of the submissions does not count toward it. Last evaluated 2025-01-20.

Conditions:
ELN-related disorder.
Supravalvar aortic stenosis (SVAS). Also called: Supravalvar aortic stenosis, Eisenberg type. Identifiers: Orphanet 3193, MedGen C0003499, MONDO:0008504, OMIM 185500, HP:0004381.

Allele frequency attached by ClinVar (database versions not stated): ExAC 0.00002; gnomAD exomes 0.00002; gnomAD 0.00003; TOPMed 0.00003.
gnomAD v4.1: 39 of 1,613,140 alleles (0.0024%); highest among the groups gnomAD compares: Admixed American, 0.0033%; no homozygotes.

Submissions (2):

Labcorp Genetics (formerly Invitae), Labcorp
Classification: Likely benign for Supravalvar aortic stenosis. Last evaluated: 2025-01-20. Review status: criteria provided, single submitter. Criteria: Invitae Variant Classification Sherloc (09022015). Collection method: clinical testing. Allele origin: germline.

PreventionGenetics, part of Exact Sciences
Classification: Likely benign for ELN-related condition. Last evaluated: 2019-03-18. Review status: no assertion criteria provided. Collection method: clinical testing. Allele origin: germline. Not counted in ClinVar's aggregate classification.
Comment: This variant is classified as likely benign based on ACMG/AMP sequence variant interpretation guidelines (Richards et al. 2015 PMID: 25741868, with internal and published modifications).